The following is an entry in ClinVar:

ClinVar aggregate classification (germline): Uncertain significance (1 of 4 stars; one submission).

Conditions:
Inborn genetic diseases. Identifiers: MedGen C0950123, MeSH D030342.

gnomAD v4.1: 9 of 1,592,444 alleles (0.00057%); highest among the groups gnomAD compares: African/African-American, 0.0067%; no homozygotes.

Submission:

Ambry Genetics
Classification: Uncertain significance for Inborn genetic diseases. Last evaluated: 2025-08-31. Review status: criteria provided, single submitter. Criteria: Ambry Variant Classification Scheme 2023. Collection method: clinical testing. Allele origin: germline.
Comment: Unlikely to be causative of TRIO-related neurodevelopmental disorder with macrocephaly (AD) Based on insufficient or conflicting evidence, the clinical significance of this alteration remains unclear.

NM_007118.4(TRIO):c.5434G>A (p.Ala1812Thr)

Gene: TRIO (trio Rho guanine nucleotide exchange factor; plus strand). Cytogenetic location: 5p15.2.
Variant type: single nucleotide variant.
Coding change: c.5434G>A on transcript NM_007118.4 (MANE Select); coding-DNA position 5434, G replaced by A.
Protein change: p.Ala1812Thr; replaces alanine 1812 with threonine.
Molecular consequence: missense variant. On other transcripts: non-coding transcript variant (1).
Genome position (GRCh38, 1-based): chr5:14,461,249, G>A. VCF-style: chr5-14461249-G-A. GRCh37 (hg19) VCF-style: chr5-14461358-G-A.
Other names: short protein forms A1812T.
Identifiers: ClinVar variation 4191233 (VCV004191233.1).